The following is an entry in ClinVar:

ClinVar aggregate classification (germline): Uncertain significance (1 of 4 stars; one submission).

Allele frequency attached by ClinVar (database versions not stated): ExAC 0.00050; ESP Exome Variant Server 0.00077; 1000 Genomes Project 0.00040; gnomAD exomes 0.00102; 1000 Genomes Project 30x 0.00031; gnomAD 0.00053.
gnomAD v4.1: 1,595 of 1,613,994 alleles (0.099%); highest among the groups gnomAD compares: Non-Finnish European, 0.13%; 3 homozygotes.

Submission:

Labcorp Genetics (formerly Invitae), Labcorp
Classification: Uncertain significance. Last evaluated: 2025-06-15. Review status: criteria provided, single submitter. Criteria: Invitae Variant Classification Sherloc (09022015). Collection method: clinical testing. Allele origin: germline.
Comment: This sequence change replaces glutamine, which is neutral and polar, with arginine, which is basic and polar, at codon 398 of the CELSR2 protein (p.Gln398Arg). This variant is present in population databases (rs200447397, gnomAD 0.1%), and has an allele count higher than expected for a pathogenic variant. This variant has not been reported in the literature in individuals affected with CELSR2-related conditions. ClinVar contains an entry for this variant (Variation ID: 2844877). Invitae Evidence Modeling of protein sequence and biophysical properties (such as structural, functional, and spatial information, amino acid conservation, physicochemical variation, residue mobility, and thermodynamic stability) indicates that this missense variant is expected to disrupt CELSR2 protein function with a positive predictive value of 80%. In summary, the available evidence is currently insufficient to determine the role of this variant in disease. Therefore, it has been classified as a Variant of Uncertain Significance.

NM_001408.3(CELSR2):c.1193A>G (p.Gln398Arg)

Gene: CELSR2 (cadherin EGF LAG seven-pass G-type receptor 2; plus strand). Cytogenetic location: 1p13.3.
Variant type: single nucleotide variant.
Coding change: c.1193A>G on transcript NM_001408.3 (MANE Select); coding-DNA position 1193, A replaced by G.
Protein change: p.Gln398Arg; replaces glutamine 398 with arginine.
Molecular consequence: missense variant.
Genome position (GRCh38, 1-based): chr1:109,251,272, A>G. VCF-style: chr1-109251272-A-G. GRCh37 (hg19) VCF-style: chr1-109793894-A-G.
Other names: short protein forms Q398R.
Identifiers: ClinVar variation 2844877 (VCV002844877.3), dbSNP rs200447397, ClinGen allele CA986520.